The following is an entry in ClinVar:

NM_006258.4(PRKG1):c.593-216C>T

Gene: PRKG1 (protein kinase cGMP-dependent 1; plus strand). Cytogenetic location: 10q21.1.
Variant type: single nucleotide variant.
Coding change: c.593-216C>T on transcript NM_006258.4 (MANE Select); 216 bases into the intron before coding-DNA position 593, C replaced by T.
Molecular consequence: intron variant.
Genome position (GRCh38, 1-based): chr10:51,804,369, C>T. VCF-style: chr10-51804369-C-T. GRCh37 (hg19) VCF-style: chr10-53564129-C-T.
Other names: c.548-216C>T (NM_001098512.3).
Identifiers: ClinVar variation 679507 (VCV000679507.1), dbSNP rs150113730, ClinGen allele CA207346830.

ClinVar aggregate classification (germline): Likely benign (1 of 4 stars; one submission).

Allele frequency attached by ClinVar (database versions not stated): gnomAD 0.00289 and 0.00309; TOPMed 0.00329; 1000 Genomes Project 0.00379; 1000 Genomes Project 30x 0.00437.
gnomAD v4.1: 437 of 152,014 alleles (0.29%); highest among the groups gnomAD compares: African/African-American, 1%; 2 homozygotes.

Submission:

GeneDx
Classification: Likely benign. Last evaluated: 2018-06-16. Review status: criteria provided, single submitter. Criteria: GeneDx Variant Classification (06012015). Collection method: clinical testing. Allele origin: germline. Affected: yes.
Comment: This variant is considered likely benign or benign based on one or more of the following criteria: it is a conservative change, it occurs at a poorly conserved position in the protein, it is predicted to be benign by multiple in silico algorithms, and/or has population frequency not consistent with disease.